The following is an entry in ClinVar:

NM_170606.3(KMT2C):c.508AAG[1] (p.Lys171del)

Gene: KMT2C (lysine methyltransferase 2C; minus strand). Cytogenetic location: 7q36.1.
Variant type: Microsatellite.
Coding change: c.508AAG[1] on transcript NM_170606.3 (MANE Select); one copy of the 3-base unit AAG starting at c.508; the reference has two copies in a row; one copy, 3 bases deleted; also written c.511_513del.
Protein change: p.Lys171del; deletes lysine 171.
Molecular consequence: inframe deletion.
Genome position (GRCh38, 1-based): chr7:152,315,215-152,315,217, CTT deleted on the plus strand (AAG on the coding strand, the reverse complement: KMT2C is on the minus strand); deleting any 3 consecutive bases within chr7:152,315,215-152,315,220 gives the same sequence; the position shown is the placement nearest the transcript's 3' end. VCF-style (leftmost placement, unchanged base first): chr7-152315214-CCTT-C. GRCh37 (hg19) VCF-style: chr7-152012299-CCTT-C.
Other names: c.511_513del (NM_170606.3); short protein forms K171del.
Identifiers: ClinVar variation 2505102 (VCV002505102.4), dbSNP rs2486127738, ClinGen allele CA645562121.

ClinVar aggregate classification (germline): Uncertain significance (1 of 4 stars; one submission).

Conditions:
Kleefstra syndrome 2 (KLEFS2). Identifiers: MedGen C4540395, MONDO:0054701, OMIM 617768.

Submission:

Revvity Omics, Revvity
Classification: Uncertain significance for Kleefstra syndrome 2. Last evaluated: 2023-09-08. Review status: criteria provided, single submitter. Criteria: ACMG Guidelines, 2015. Collection method: clinical testing. Allele origin: germline.